The following is an entry in ClinVar:

NM_000179.3(MSH6):c.356dup (p.Ile120fs)

Gene: MSH6 (mutS homolog 6; plus strand). Cytogenetic location: 2p16.3.
Variant type: Duplication.
Coding change: c.356dup on transcript NM_000179.3 (MANE Select); coding-DNA position 356, one base duplicated (T; older notation c.356dupT).
Protein change: p.Ile120fs; shifts the reading frame from isoleucine 120.
Molecular consequence: frameshift variant. On other transcripts: 5 prime UTR variant (2), intron variant (1).
Genome position (GRCh38, 1-based): chr2:47,791,022, T duplicated; the last of 2 consecutive T bases (chr2:47,791,021-47,791,022); duplicating either gives the same sequence. VCF-style (leftmost placement, unchanged base first): chr2-47791020-A-AT. GRCh37 (hg19) VCF-style: chr2-48018159-A-AT.
Other names: c.356dupT (NM_000179.2); c.-381dup (NM_001281493.2); c.-547dup (NM_001281494.2); c.237+7552dup (NM_001281492.2); short protein forms I120fs.
Identifiers: ClinVar variation 428411 (VCV000428411.53), dbSNP rs1114167776, ClinGen allele CA645369259.

ClinVar aggregate classification (germline): Pathogenic/Likely pathogenic. Review status: criteria provided, multiple submitters, no conflicts (2 of 4 stars). 7 submissions from 7 submitters: Pathogenic (5); Likely pathogenic (1). 1 of the submissions does not count toward it. Last evaluated 2024-07-11.

Conditions:
Hereditary cancer-predisposing syndrome. Also called: Hereditary neoplastic syndrome; Tumor predisposition; Hereditary Cancer Syndrome; Neoplastic Syndromes, Hereditary. Identifiers: Orphanet 140162, MedGen C0027672, MeSH D009386, MONDO:0015356.
Lynch syndrome 5 (LYNCH5). Also called: Hereditary non-polyposis colorectal cancer, type 5; Colorectal cancer, hereditary nonpolyposis, type 5. Identifiers: Orphanet 144, MedGen C1833477, MONDO:0013710, OMIM 614350. Disease mechanism: loss of function.
Endometrial carcinoma. Also called: Endometrial carcinoma, somatic. Identifiers: MedGen C0476089, MONDO:0002447, OMIM 608089, HP:0012114.
Hereditary nonpolyposis colorectal neoplasms. Identifiers: MedGen C0009405, MeSH D003123.
Ovarian neoplasm. Also called: Ovarian tumor; Ovarian Neoplasms; Neoplasm of ovary. Identifiers: MedGen C0919267, MeSH D010051, MONDO:0021068, HP:0100615.

Submissions (7):

Labcorp Genetics (formerly Invitae), Labcorp
Classification: Pathogenic for Hereditary nonpolyposis colorectal neoplasms. Last evaluated: 2024-07-11. Review status: criteria provided, single submitter. Criteria: Invitae Variant Classification Sherloc (09022015). Collection method: clinical testing. Allele origin: germline.
Comment: This sequence change creates a premature translational stop signal (p.Ile120Hisfs*16) in the MSH6 gene. It is expected to result in an absent or disrupted protein product. Loss-of-function variants in MSH6 are known to be pathogenic (PMID: 18269114, 24362816). This variant is not present in population databases (gnomAD no frequency). This variant has not been reported in the literature in individuals affected with MSH6-related conditions. ClinVar contains an entry for this variant (Variation ID: 428411). For these reasons, this variant has been classified as Pathogenic.

Myriad Genetics, Inc.
Classification: Pathogenic for Lynch syndrome 5. Last evaluated: 2023-08-10. Review status: criteria provided, single submitter. Criteria: Myriad Autosomal Dominant, Autosomal Recessive and X-Linked Classification Criteria (2023). Collection method: clinical testing. Allele origin: unknown.
Comment: This variant is considered pathogenic. This variant creates a frameshift predicted to result in premature protein truncation.

Ambry Genetics
Classification: Pathogenic for Hereditary cancer-predisposing syndrome. Last evaluated: 2023-01-19. Review status: criteria provided, single submitter. Criteria: Ambry Variant Classification Scheme 2023. Collection method: clinical testing. Allele origin: germline.
Comment: The c.356dupT pathogenic mutation, located in coding exon 2 of the MSH6 gene, results from a duplication of T at nucleotide position 356, causing a translational frameshift with a predicted alternate stop codon (p.I120Hfs*16). This variant is considered to be rare based on population cohorts in the Genome Aggregation Database (gnomAD). This alteration is expected to result in loss of function by premature protein truncation or nonsense-mediated mRNA decay. As such, this alteration is interpreted as a disease-causing mutation.

Baylor Genetics
Classification: Likely pathogenic for Endometrial carcinoma. Last evaluated: 2022-07-26. Review status: criteria provided, single submitter. Criteria: ACMG Guidelines, 2015. Collection method: clinical testing. Allele origin: unknown.

GeneDx
Classification: Pathogenic. Last evaluated: 2021-11-08. Review status: criteria provided, single submitter. Criteria: GeneDx Variant Classification Process June 2021. Collection method: clinical testing. Allele origin: germline. Affected: yes.
Comment: Frameshift variant predicted to result in protein truncation or nonsense mediated decay in a gene for which loss-of-function is a known mechanism of disease; Not observed in large population cohorts (Lek 2016); Truncating variants in this gene are considered pathogenic by a well-established clinical consortium and/or database; Has not been previously published as pathogenic or benign to our knowledge

CeGaT Center for Human Genetics Tuebingen
Classification: Pathogenic. Last evaluated: 2021-08-01. Review status: criteria provided, single submitter. Criteria: CeGaT Center For Human Genetics Tuebingen Variant Classification Criteria Version 2. Collection method: clinical testing. Allele origin: germline. Affected: yes. Observed: 1 variant allele.

German Consortium for Hereditary Breast and Ovarian Cancer, University Hospital Cologne
Classification: Pathogenic for Ovarian neoplasm. Last evaluated: 2018-12-01. Review status: no assertion criteria provided. Collection method: research. Allele origin: germline. Affected: yes. Not counted in ClinVar's aggregate classification.

Literature cited by the submitters: PubMed 18269114 (cited by Labcorp Genetics (formerly Invitae), Labcorp); PubMed 24362816 (cited by Labcorp Genetics (formerly Invitae), Labcorp).